The following is an entry in ClinVar:

NM_003072.5(SMARCA4):c.4171-1782G>T

Gene: SMARCA4 (SWI/SNF related BAF chromatin remodeling complex subunit ATPase 4; plus strand). Cytogenetic location: 19p13.2.
Variant type: single nucleotide variant.
Coding change: c.4171-1782G>T on transcript NM_003072.5 (MANE Select); 1782 bases into the intron before coding-DNA position 4171, G replaced by T.
Molecular consequence: intron variant. On other transcripts: missense variant (1).
Genome position (GRCh38, 1-based): chr19:11,039,525, G>T. VCF-style: chr19-11039525-G-T. GRCh37 (hg19) VCF-style: chr19-11150201-G-T.
Other names: c.4238G>T, p.Gly1413Val (NM_001128849.3); c.4171-1782G>T (NM_001128844.3); c.4072-1782G>T (NM_001128847.4, NM_001374457.1, NM_001128848.2); c.4072-1773G>T (NM_001128845.2, NM_001128846.2); short protein forms G1413V.
Identifiers: ClinVar variation 948486 (VCV000948486.9), dbSNP rs2075456219, ClinGen allele CA404071688.

ClinVar aggregate classification (germline): Uncertain significance (1 of 4 stars; one submission).

Conditions:
Rhabdoid tumor predisposition syndrome 2 (RTPS2). Identifiers: Orphanet 231108, Orphanet 69077, MedGen C2750074, MONDO:0013224, OMIM 613325.

Submission:

Labcorp Genetics (formerly Invitae), Labcorp
Classification: Uncertain significance for Rhabdoid tumor predisposition syndrome 2. Last evaluated: 2019-08-14. Review status: criteria provided, single submitter. Criteria: Invitae Variant Classification Sherloc (09022015). Collection method: clinical testing. Allele origin: germline.
Comment: This variant is not present in population databases (ExAC no frequency). This sequence change replaces glycine with valine at codon 1413 of the SMARCA4 protein (p.Gly1413Val). The glycine residue is weakly conserved and there is a moderate physicochemical difference between glycine and valine. This variant has not been reported in the literature in individuals with SMARCA4-related conditions. Algorithms developed to predict the effect of missense changes on protein structure and function (SIFT, PolyPhen-2, Align-GVGD) all suggest that this variant is likely to be tolerated, but these predictions have not been confirmed by published functional studies and their clinical significance is uncertain. In summary, the available evidence is currently insufficient to determine the role of this variant in disease. Therefore, it has been classified as a Variant of Uncertain Significance.